The following is an entry in ClinVar:

NM_000038.6(APC):c.8443A>C (p.Lys2815Gln)

Gene: APC (APC regulator of Wnt signaling pathway; plus strand). Cytogenetic location: 5q22.2.
Variant type: single nucleotide variant.
Coding change: c.8443A>C on transcript NM_000038.6 (MANE Select); coding-DNA position 8443, A replaced by C.
Protein change: p.Lys2815Gln; replaces lysine 2815 with glutamine.
Molecular consequence: missense variant.
Genome position (GRCh38, 1-based): chr5:112,844,037, A>C. VCF-style: chr5-112844037-A-C. GRCh37 (hg19) VCF-style: chr5-112179734-A-C.
Other names: c.8443A>C, p.Lys2815Gln (NM_001127510.3, NM_001354895.2, NM_001407450.1); c.8389A>C, p.Lys2797Gln (NM_001127511.3); c.8497A>C, p.Lys2833Gln (NM_001354896.2, NM_001407447.1, NM_001407448.1 and 1 more transcripts); c.8473A>C, p.Lys2825Gln (NM_001354897.2); c.8368A>C, p.Lys2790Gln (NM_001354898.2); c.8359A>C, p.Lys2787Gln (NM_001354899.2); c.8320A>C, p.Lys2774Gln (NM_001354900.2); c.8266A>C, p.Lys2756Gln (NM_001354901.2, NM_001407453.1); and 11 more; short protein forms K2431Q, K2532Q, K2655Q, K2686Q, K2689Q, K2714Q, K2724Q, K2732Q.
Identifiers: ClinVar variation 1719986 (VCV001719986.8), dbSNP rs2150005494, ClinGen allele CA16039646.
Genomic context (GRCh38, chr5:112,844,037, plus strand): 5'-GCAGATAGCACTTCAGCTCGGCCATCTCAGATCCCAACTCCAGTGAATAACAACACAAAG[A>C]AGCGAGATTCCAAAACTGACAGCACAGAATCCAGTGGAACCCAAAGTCCTAAGCGCCATT-3'
Protein context (NP_000029.2, residues 2805-2825): IPTPVNNNTK[Lys2815Gln]RDSKTDSTES

ClinVar aggregate classification (germline): Uncertain significance. Review status: criteria provided, multiple submitters, no conflicts (2 of 4 stars). 2 submissions from 2 submitters: Uncertain significance (2). Last evaluated 2024-03-14.

Conditions:
Hereditary cancer-predisposing syndrome. Also called: Hereditary neoplastic syndrome; Neoplastic Syndromes, Hereditary; Hereditary Cancer Syndrome; Tumor predisposition. Identifiers: Orphanet 140162, MedGen C0027672, MeSH D009386, MONDO:0015356.
Familial adenomatous polyposis 1 (FAP1). Also called: FAMILIAL ADENOMATOUS POLYPOSIS 1, ATTENUATED; POLYPOSIS, ADENOMATOUS INTESTINAL. Identifiers: MedGen C2713442, MONDO:0021056, OMIM 175100. Disease mechanism: loss of function.

Submissions (2):

Labcorp Genetics (formerly Invitae), Labcorp
Classification: Uncertain significance for Familial adenomatous polyposis 1. Last evaluated: 2024-03-14. Review status: criteria provided, single submitter. Criteria: Invitae Variant Classification Sherloc (09022015). Collection method: clinical testing. Allele origin: germline.
Comment: This sequence change replaces lysine, which is basic and polar, with glutamine, which is neutral and polar, at codon 2815 of the APC protein (p.Lys2815Gln). This variant is not present in population databases (gnomAD no frequency). This variant has not been reported in the literature in individuals affected with APC-related conditions. ClinVar contains an entry for this variant (Variation ID: 1719986). Advanced modeling of protein sequence and biophysical properties (such as structural, functional, and spatial information, amino acid conservation, physicochemical variation, residue mobility, and thermodynamic stability) performed at Invitae indicates that this missense variant is not expected to disrupt APC protein function with a negative predictive value of 95%. In summary, the available evidence is currently insufficient to determine the role of this variant in disease. Therefore, it has been classified as a Variant of Uncertain Significance.

Ambry Genetics
Classification: Uncertain significance for Hereditary cancer-predisposing syndrome. Last evaluated: 2022-09-29. Review status: criteria provided, single submitter. Criteria: Ambry Variant Classification Scheme 2023. Collection method: clinical testing. Allele origin: germline.
Comment: The p.K2815Q variant (also known as c.8443A>C), located in coding exon 15 of the APC gene, results from an A to C substitution at nucleotide position 8443. The lysine at codon 2815 is replaced by glutamine, an amino acid with similar properties. This amino acid position is highly conserved in available vertebrate species. In addition, in silico predictors for this gene do not accurately predict pathogenicity. Since supporting evidence is limited at this time, the clinical significance of this alteration remains unclear.